The following is an entry in ClinVar:

NM_018669.6(WDR4):c.70G>T (p.Ala24Ser)

Gene: WDR4 (WDR4 tRNA N7-guanosine methyltransferase non-catalytic subunit; minus strand). Cytogenetic location: 21q22.3.
Variant type: single nucleotide variant.
Coding change: c.70G>T on transcript NM_018669.6 (MANE Select); coding-DNA position 70, G replaced by T.
Protein change: p.Ala24Ser; replaces alanine 24 with serine.
Molecular consequence: missense variant. On other transcripts: 5 prime UTR variant (2), intron variant (1).
Genome position (GRCh38, 1-based): chr21:42,879,426, C>A on the plus strand (G>T on the coding strand, the complement: WDR4 is on the minus strand). VCF-style: chr21-42879426-C-A. GRCh37 (hg19) VCF-style: chr21-44299536-C-A.
Other names: c.70G>T (NM_033661.4, NM_018669.4); c.70G>T, p.Ala24Ser (NM_001260474.2, NM_033661.5); c.-317G>T (NM_001260475.2); c.-732G>T (NM_001260477.2); c.-298+87G>T (NM_001260476.2); short protein forms A24S.
Identifiers: ClinVar variation 1562835 (VCV001562835.33), dbSNP rs150449975, ClinGen allele CA10046306.

ClinVar aggregate classification (germline): Benign/Likely benign. Review status: criteria provided, multiple submitters, no conflicts (2 of 4 stars). 4 submissions from 4 submitters: Benign (1); Likely benign (2). 1 of the submissions does not count toward it. Last evaluated 2026-01-26.

Conditions:
WDR4-related disorder. Also called: WDR4-related condition; WDR4-Related Disorders.
Inborn genetic diseases. Identifiers: MedGen C0950123, MeSH D030342.

Allele frequency attached by ClinVar (database versions not stated): ESP Exome Variant Server 0.00015; gnomAD 0.00021 and 0.00053; TOPMed 0.00025; gnomAD exomes 0.00067 and 0.00122; 1000 Genomes Project 30x 0.00125; ExAC 0.00138; 1000 Genomes Project 0.00140.

Submissions (4):

Labcorp Genetics (formerly Invitae), Labcorp
Classification: Benign. Last evaluated: 2026-01-26. Review status: criteria provided, single submitter. Criteria: Invitae Variant Classification Sherloc (09022015). Collection method: clinical testing. Allele origin: germline.

Ambry Genetics
Classification: Likely benign for Inborn genetic diseases. Last evaluated: 2024-08-14. Review status: criteria provided, single submitter. Criteria: Ambry Variant Classification Scheme 2023. Collection method: clinical testing. Allele origin: germline.

CeGaT Center for Human Genetics Tuebingen
Classification: Likely benign. Last evaluated: 2023-02-01. Review status: criteria provided, single submitter. Criteria: CeGaT Center For Human Genetics Tuebingen Variant Classification Criteria Version 2. Collection method: clinical testing. Allele origin: germline. Affected: yes. Observed: 1 variant allele.
Comment: WDR4: BS2

PreventionGenetics, part of Exact Sciences
Classification: Likely benign for WDR4-related condition. Last evaluated: 2019-06-13. Review status: no assertion criteria provided. Collection method: clinical testing. Allele origin: germline. Not counted in ClinVar's aggregate classification.
Comment: This variant is classified as likely benign based on ACMG/AMP sequence variant interpretation guidelines (Richards et al. 2015 PMID: 25741868, with internal and published modifications).